The following is an entry in ClinVar:

NM_001009944.3(PKD1):c.1723-2A>C

Gene: PKD1 (polycystin 1, transient receptor potential channel interacting; minus strand). Cytogenetic location: 16p13.3.
Variant type: single nucleotide variant.
Coding change: c.1723-2A>C on transcript NM_001009944.3 (MANE Select); the canonical splice acceptor site of the intron before coding-DNA position 1723, A replaced by C.
Molecular consequence: splice acceptor variant.
Genome position (GRCh38, 1-based): chr16:2,116,120, T>G on the plus strand (A>C on the coding strand, the complement: PKD1 is on the minus strand). VCF-style: chr16-2116120-T-G. GRCh37 (hg19) VCF-style: chr16-2166121-T-G.
Other names: c.1723-2A>C (NM_000296.4).
Identifiers: ClinVar variation 3778739 (VCV003778739.1).
Genomic context (GRCh38, chr16:2,116,120, plus strand): 5'-AATTCGGCCGTGGTGAGGAAGGCTTCACGGCTCAGACGCAGGCCCGGGAATACCATGACC[T>G]GGTGGGCAGGGGGCCGCCTCAGCTCCACAGACCCCATCCCAGCCTGAAGCCCAGACTCCC-3'

ClinVar aggregate classification (germline): Pathogenic (1 of 4 stars; one submission).

Conditions:
Polycystic kidney disease, adult type (PKD1). Also called: Polycystic Kidney, Autosomal Dominant; POLYCYSTIC KIDNEY DISEASE 1 WITH OR WITHOUT POLYCYSTIC LIVER DISEASE; Polycystic Kidney Disease 1, Autosomal Dominant; Polycystic kidney disease 1; Polycystic kidney disease 1, severe; POLYCYSTIC KIDNEY DISEASE, ADULT, TYPE I. Identifiers: MedGen C3149841, MONDO:0008263, OMIM 173900.

Submission:

Institute of Human Genetics, University of Leipzig Medical Center
Classification: Pathogenic for Polycystic kidney disease, adult type. Last evaluated: 2025-03-24. Review status: criteria provided, single submitter. Criteria: ACMG Guidelines, 2015. Collection method: clinical testing. Allele origin: unknown. Inheritance: Autosomal dominant inheritance. Affected: yes.
Comment: Criteria applied: PVS1,PM2,PS4_SUP